The following is an entry in ClinVar:

ClinVar aggregate classification (germline): Uncertain significance. Review status: criteria provided, multiple submitters, no conflicts (2 of 4 stars). 2 submissions from 2 submitters: Uncertain significance (2). Last evaluated 2025-04-14.

Conditions:
Cohen syndrome (COH1). Also called: PEPPER SYNDROME; Cutis verticis gyrata, retinitis pigmentosa, and sensorineural deafness. Identifiers: Orphanet 193, MedGen C0265223, MONDO:0008999, OMIM 216550.
Inborn genetic diseases. Identifiers: MedGen C0950123, MeSH D030342.

Allele frequency attached by ClinVar (database versions not stated): gnomAD exomes below 0.00001.
gnomAD v4.1: 6 of 1,613,812 alleles (0.00037%); highest among the groups gnomAD compares: Non-Finnish European, 0.00051%; no homozygotes.

Submissions (2):

Labcorp Genetics (formerly Invitae), Labcorp
Classification: Uncertain significance for Cohen syndrome. Last evaluated: 2025-04-14. Review status: criteria provided, single submitter. Criteria: Invitae Variant Classification Sherloc (09022015). Collection method: clinical testing. Allele origin: germline.
Comment: This sequence change replaces glutamic acid, which is acidic and polar, with lysine, which is basic and polar, at codon 3075 of the VPS13B protein (p.Glu3075Lys). This variant is present in population databases (no rsID available, gnomAD 0.0009%). This variant has not been reported in the literature in individuals affected with VPS13B-related conditions. ClinVar contains an entry for this variant (Variation ID: 1766246). Invitae Evidence Modeling of protein sequence and biophysical properties (such as structural, functional, and spatial information, amino acid conservation, physicochemical variation, residue mobility, and thermodynamic stability) indicates that this missense variant is not expected to disrupt VPS13B protein function with a negative predictive value of 80%. In summary, the available evidence is currently insufficient to determine the role of this variant in disease. Therefore, it has been classified as a Variant of Uncertain Significance.

Ambry Genetics
Classification: Uncertain significance for Inborn genetic diseases. Last evaluated: 2017-08-28. Review status: criteria provided, single submitter. Criteria: Ambry Variant Classification Scheme 2023. Collection method: clinical testing. Allele origin: germline.
Comment: The p.E3075K variant (also known as c.9223G>A), located in coding exon 49 of the VPS13B gene, results from a G to A substitution at nucleotide position 9223. The glutamic acid at codon 3075 is replaced by lysine, an amino acid with similar properties. This amino acid position is highly conserved through mammals but not in all available vertebrate species. In addition, the in silico prediction for this alteration is inconclusive. Since supporting evidence is limited at this time, the clinical significance of this alteration remains unclear.

NM_152564.5(VPS13B):c.9148G>A (p.Glu3050Lys)

Gene: VPS13B (vacuolar protein sorting 13 homolog B; plus strand). Cytogenetic location: 8q22.2.
Variant type: single nucleotide variant.
Coding change: c.9148G>A on transcript NM_152564.5 (MANE Select); coding-DNA position 9148, G replaced by A.
Protein change: p.Glu3050Lys; replaces glutamic acid 3050 with lysine.
Molecular consequence: missense variant.
Genome position (GRCh38, 1-based): chr8:99,821,447, G>A. VCF-style: chr8-99821447-G-A. GRCh37 (hg19) VCF-style: chr8-100833675-G-A.
Other names: c.9223G>A, p.Glu3075Lys (NM_017890.5); short protein forms E3075K, E3050K.
Identifiers: ClinVar variation 1766246 (VCV001766246.6), dbSNP rs1178024733, ClinGen allele CA371779222.